The following is an entry in ClinVar:

NM_006302.3(MOGS):c.1679dup (p.Tyr560Ter)

Gene: MOGS (mannosyl-oligosaccharide glucosidase; minus strand). Cytogenetic location: 2p13.1.
Variant type: Duplication.
Coding change: c.1679dup on transcript NM_006302.3 (MANE Select); coding-DNA position 1679, one base duplicated (A; older notation c.1679dupA).
Protein change: p.Tyr560Ter; replaces tyrosine 560 with a stop codon.
Molecular consequence: nonsense.
Genome position (GRCh38, 1-based): chr2:74,462,110, T duplicated on the plus strand (A on the coding strand, the reverse complement: MOGS is on the minus strand). VCF-style (leftmost placement, unchanged base first): chr2-74462109-G-GT. GRCh37 (hg19) VCF-style: chr2-74689236-G-GT.
Other names: c.1361dup, p.Tyr454Ter (NM_001146158.2); short protein forms Y454*, Y560*.
Identifiers: ClinVar variation 1512308 (VCV001512308.5), dbSNP rs1178323891, ClinGen allele CA534127519.

ClinVar aggregate classification (germline): Uncertain significance (1 of 4 stars; one submission).

Conditions:
MOGS-congenital disorder of glycosylation. Also called: MOGS-CDG; CDG 2B; CDG IIb; GLUCOSIDASE I DEFICIENCY. Identifiers: Orphanet 79330, MedGen C1853736, MONDO:0011629, OMIM 606056.

Allele frequency attached by ClinVar (database versions not stated): gnomAD 0.00001; gnomAD exomes 0.00001 and 0.00003; TOPMed 0.00002.

Submission:

Labcorp Genetics (formerly Invitae), Labcorp
Classification: Uncertain significance for MOGS-congenital disorder of glycosylation. Last evaluated: 2021-08-31. Review status: criteria provided, single submitter. Criteria: Invitae Variant Classification Sherloc (09022015). Collection method: clinical testing. Allele origin: germline.
Comment: This sequence change creates a premature translational stop signal (p.Tyr560*) in the MOGS gene. While this is not anticipated to result in nonsense mediated decay, it is expected to disrupt the last 278 amino acid(s) of the MOGS protein. This variant is not present in population databases (ExAC no frequency). This variant has not been reported in the literature in individuals affected with MOGS-related conditions. This variant disrupts a region of the MOGS protein in which other variant(s) (p.Thr802Ile, p.Phe652Leu) have been observed in individuals with MOGS-related conditions (PMID: 10788335, 12145188, 29235540, 31925597). This suggests that this is a clinically significant region of the protein, and that variants that disrupt it are likely to be disease-causing. In summary, the available evidence is currently insufficient to determine the role of this variant in disease. Therefore, it has been classified as a Variant of Uncertain Significance.

Literature cited by the submitters: PubMed 10788335; PubMed 12145188; PubMed 29235540; PubMed 31925597.